The following is an entry in ClinVar:

ClinVar aggregate classification (germline): Conflicting classifications of pathogenicity. Review status: criteria provided, conflicting classifications (1 of 4 stars). 3 submissions from 3 submitters: Uncertain significance (2); Likely benign (1). Last evaluated 2024-03-29.

Conditions:
FG syndrome (FGS). Identifiers: MedGen C0220769, MONDO:0002010.
Familial thoracic aortic aneurysm and aortic dissection (TAAD). Also called: Thoracic aortic aneurysms and dissections. Identifiers: Orphanet 91387, MedGen C4707243, MONDO:0019625.

Allele frequency attached by ClinVar (database versions not stated): gnomAD exomes below 0.00001 and 0.00002; ExAC 0.00001; gnomAD 0.00002; TOPMed 0.00002; ESP Exome Variant Server 0.00010.
gnomAD v4.1: 7 of 1,209,100 alleles (0.00058%); highest among the groups gnomAD compares: Middle Eastern, 0.023%; no homozygotes.

Submissions (3):

Ambry Genetics
Classification: Uncertain significance for Familial thoracic aortic aneurysm and aortic dissection. Last evaluated: 2024-03-29. Review status: criteria provided, single submitter. Criteria: Ambry Variant Classification Scheme 2023. Collection method: clinical testing. Allele origin: germline.
Comment: The p.T1037M variant (also known as c.3110C>T), located in coding exon 22 of the MED12 gene, results from a C to T substitution at nucleotide position 3110. The threonine at codon 1037 is replaced by methionine, an amino acid with similar properties. Based on data from gnomAD, the T allele has an overall frequency of <0.01% (4/203286) total alleles studied, with 1 hemizygote(s) observed. The highest observed frequency was <0.01% (1/18193) of African alleles. This amino acid position is well conserved in available vertebrate species. In addition, this alteration is predicted to be tolerated by in silico analysis. Based on the available evidence, the clinical significance of this alteration remains unclear.

Labcorp Genetics (formerly Invitae), Labcorp
Classification: Likely benign for FG syndrome. Last evaluated: 2023-08-06. Review status: criteria provided, single submitter. Criteria: Invitae Variant Classification Sherloc (09022015). Collection method: clinical testing. Allele origin: germline.

GeneDx
Classification: Uncertain significance. Last evaluated: 2019-11-06. Review status: criteria provided, single submitter. Criteria: GeneDx Variant Classification Process June 2021. Collection method: clinical testing. Allele origin: germline. Affected: yes.
Comment: Has not been previously published as pathogenic or benign to our knowledge; In silico analysis, which includes protein predictors and evolutionary conservation, supports that this variant does not alter protein structure/function; Reported in ClinVar but additional evidence is not available (ClinVar Variant ID# 653172; Landrum et al., 2016)

NM_005120.3(MED12):c.3110C>T (p.Thr1037Met)

Gene: MED12 (mediator complex subunit 12; plus strand). Cytogenetic location: Xq13.1.
Variant type: single nucleotide variant.
Coding change: c.3110C>T on transcript NM_005120.3 (MANE Select); coding-DNA position 3110, C replaced by T.
Protein change: p.Thr1037Met; replaces threonine 1037 with methionine.
Molecular consequence: missense variant.
Genome position (GRCh38, 1-based): chrX:71,128,021, C>T. VCF-style: chrX-71128021-C-T. GRCh37 (hg19) VCF-style: chrX-70347871-C-T.
Other names: short protein forms T1037M.
Identifiers: ClinVar variation 653172 (VCV000653172.9), dbSNP rs377078179, ClinGen allele CA10444446.